The following is an entry in ClinVar:

ClinVar aggregate classification (germline): Uncertain significance. Review status: criteria provided, multiple submitters, no conflicts (2 of 4 stars). 3 submissions from 3 submitters: Uncertain significance (3). Last evaluated 2025-08-04.

Conditions:
Hereditary breast ovarian cancer syndrome. Also called: Hereditary breast and ovarian cancer syndrome; BRCA1- and BRCA2-Associated Hereditary Breast and Ovarian Cancer; Hereditary breast and/or ovarian cancer syndrome; Hereditary breast and ovarian cancer; Breast and ovarian cancer; Hereditary breast and ovarian cancer syndrome (HBOC). Identifiers: Orphanet 145, MedGen C0677776, MeSH D061325, MONDO:0003582. Disease mechanism: loss of function.
Breast-ovarian cancer, familial, susceptibility to, 2 (BROVCA2). Also called: BRCA2 Hereditary Breast and Ovarian Cancer. Identifiers: Orphanet 145, MedGen C2675520, MONDO:0012933, OMIM 612555. Disease mechanism: loss of function.

Submissions (3):

KCCC/NGS Laboratory, Kuwait Cancer Control Center
Classification: Uncertain significance for Breast-ovarian cancer, familial, susceptibility to, 2. Last evaluated: 2025-08-04. Review status: criteria provided, single submitter. Criteria: ACMG Guidelines, 2015. Collection method: clinical testing. Allele origin: germline. Inheritance: Autosomal dominant inheritance. Affected: yes. Observed: 1 heterozygote.
Comment: This sequence change replaces aspartic acid with histidine at codon 191 of the BRCA2 protein (p.Asp191His). The aspartic acid residue is highly conserved and there is a moderate physicochemical difference between aspartic acid and histidine

All of Us Research Program, National Institutes of Health
Classification: Uncertain significance for Breast-ovarian cancer, familial, susceptibility to, 2. Last evaluated: 2023-09-17. Review status: criteria provided, single submitter. Criteria: ACMG Guidelines, 2015. Collection method: clinical testing. Allele origin: germline. Inheritance: Autosomal dominant inheritance. Observed: 1 variant allele, 1 heterozygote.
Comment: This missense variant replaces aspartic acid with histidine at codon 191 of the BRCA2 protein. Computational prediction suggests that this variant may not impact protein structure and function (internally defined REVEL score threshold <= 0.5, PMID: 27666373). To our knowledge, functional studies have not been reported for this variant. This variant has not been reported in individuals affected with BRCA2-related disorders in the literature. This variant has not been identified in the general population by the Genome Aggregation Database (gnomAD). The available evidence is insufficient to determine the role of this variant in disease conclusively. Therefore, this variant is classified as a Variant of Uncertain Significance.

This study involves interpretation of variants in research participants for the purpose of population health screening. Participant phenotype was not available at the time of variant classification. Additional details can be found in publication PMID: 35346344, PMCID: PMC8962531

Labcorp Genetics (formerly Invitae), Labcorp
Classification: Uncertain significance for Hereditary breast ovarian cancer syndrome. Last evaluated: 2019-05-10. Review status: criteria provided, single submitter. Criteria: Invitae Variant Classification Sherloc (09022015). Collection method: clinical testing. Allele origin: germline.
Comment: In summary, the available evidence is currently insufficient to determine the role of this variant in disease. Therefore, it has been classified as a Variant of Uncertain Significance. Algorithms developed to predict the effect of missense changes on protein structure and function are either unavailable or do not agree on the potential impact of this missense change (SIFT: "Deleterious"; PolyPhen-2: "Probably Damaging"; Align-GVGD: "Class C0"). This sequence change replaces aspartic acid with histidine at codon 191 of the BRCA2 protein (p.Asp191His). The aspartic acid residue is highly conserved and there is a moderate physicochemical difference between aspartic acid and histidine. This variant is not present in population databases (ExAC no frequency). This variant has not been reported in the literature in individuals with BRCA2-related conditions.

NM_000059.4(BRCA2):c.571G>C (p.Asp191His)

Gene: BRCA2 (BRCA2 DNA repair associated; plus strand). Cytogenetic location: 13q13.1.
Variant type: single nucleotide variant.
Coding change: c.571G>C on transcript NM_000059.4 (MANE Select); coding-DNA position 571, G replaced by C.
Protein change: p.Asp191His; replaces aspartic acid 191 with histidine.
Molecular consequence: missense variant.
Genome position (GRCh38, 1-based): chr13:32,326,553, G>C. VCF-style: chr13-32326553-G-C. GRCh37 (hg19) VCF-style: chr13-32900690-G-C.
Other names: short protein forms D191H.
Identifiers: ClinVar variation 946030 (VCV000946030.12), dbSNP rs1593887401, ClinGen allele CA387757979.